The following is an entry in ClinVar:

ClinVar aggregate classification (germline): Benign/Likely benign. Review status: criteria provided, multiple submitters, no conflicts (2 of 4 stars). 3 submissions from 3 submitters: Benign (1); Likely benign (1). 1 of the submissions does not count toward it. Last evaluated 2026-07-01.

Conditions:
ROBO1-related disorder. Also called: ROBO1-related condition.

Allele frequency attached by ClinVar (database versions not stated): gnomAD exomes 0.00018 and 0.00053; ExAC 0.00076; gnomAD 0.00206 and 0.00227; TOPMed 0.00245; 1000 Genomes Project 0.00280; 1000 Genomes Project 30x 0.00281; ESP Exome Variant Server 0.00296.
gnomAD v4.1: 597 of 1,613,872 alleles (0.037%); highest among the groups gnomAD compares: African/African-American, 0.69%; 3 homozygotes.

Submissions (3):

CeGaT Center for Human Genetics Tuebingen
Classification: Likely benign. Last evaluated: 2026-07-01. Review status: criteria provided, single submitter. Criteria: CeGaT Center For Human Genetics Tuebingen Variant Classification Criteria Version 2. Collection method: clinical testing. Allele origin: germline. Affected: yes. Observed: 1 variant allele.
Comment: ROBO1: BP4

Labcorp Genetics (formerly Invitae), Labcorp
Classification: Benign. Last evaluated: 2026-01-27. Review status: criteria provided, single submitter. Criteria: Invitae Variant Classification Sherloc (09022015). Collection method: clinical testing. Allele origin: germline.

PreventionGenetics, part of Exact Sciences
Classification: Benign for ROBO1-related condition. Last evaluated: 2019-07-03. Review status: no assertion criteria provided. Collection method: clinical testing. Allele origin: germline. Not counted in ClinVar's aggregate classification.
Comment: This variant is classified as benign based on ACMG/AMP sequence variant interpretation guidelines (Richards et al. 2015 PMID: 25741868, with internal and published modifications).

NM_002941.4(ROBO1):c.3246C>T (p.Asn1082=)

Gene: ROBO1 (roundabout guidance receptor 1; minus strand). Cytogenetic location: 3p12.3.
Variant type: single nucleotide variant.
Coding change: c.3246C>T on transcript NM_002941.4 (MANE Select); coding-DNA position 3246, C replaced by T.
Protein change: p.Asn1082=; no amino-acid change (asparagine 1082 retained).
Molecular consequence: synonymous variant.
Genome position (GRCh38, 1-based): chr3:78,635,900, G>A on the plus strand (C>T on the coding strand, the complement: ROBO1 is on the minus strand). VCF-style: chr3-78635900-G-A. GRCh37 (hg19) VCF-style: chr3-78685050-G-A.
Other names: c.2946C>T, p.Asn982= (NM_001145845.2); c.3111C>T, p.Asn1037= (NM_133631.4).
Identifiers: ClinVar variation 720299 (VCV000720299.12), dbSNP rs34841026, ClinGen allele CA2498423.